The following is an entry in ClinVar:

NM_003476.5(CSRP3):c.236G>C (p.Cys79Ser)

Gene: CSRP3 (cysteine and glycine rich protein 3; minus strand). Cytogenetic location: 11p15.1.
Variant type: single nucleotide variant.
Coding change: c.236G>C on transcript NM_003476.5 (MANE Select); coding-DNA position 236, G replaced by C.
Protein change: p.Cys79Ser; replaces cysteine 79 with serine.
Molecular consequence: missense variant. On other transcripts: intron variant (1).
Genome position (GRCh38, 1-based): chr11:19,188,181, C>G on the plus strand (G>C on the coding strand, the complement: CSRP3 is on the minus strand). VCF-style: chr11-19188181-C-G. GRCh37 (hg19) VCF-style: chr11-19209728-C-G.
Other names: c.236G>C (NM_003476.4); c.236G>C, p.Cys79Ser (NM_001127656.1); c.113-1833G>C (NM_001369404.1); short protein forms C79S.
Identifiers: ClinVar variation 1790275 (VCV001790275.9), dbSNP rs199793773, ClinGen allele CA5916614.
Genomic context (GRCh38, chr11:19,188,181, plus strand): 5'-AGGGCAGTAACTCACTGTTGGAACTGCAGGCCGAGATGCTCGCCCGTGTCTGTGCTGAGA[C>G]AGCCAGCGCCTTGTCCATACCCGATCCCTTTGGGGCCATATCTGCGCCCATAGCACACCT-3'
Protein context (NP_003467.1, residues 69-89): KGIGYGQGAG[Cys79Ser]LSTDTGEHLG

ClinVar aggregate classification (germline): Uncertain significance. Review status: criteria provided, multiple submitters, no conflicts (2 of 4 stars). 3 submissions from 3 submitters: Uncertain significance (3). Last evaluated 2026-02-27.

Conditions:
Cardiovascular phenotype. Identifiers: MedGen CN230736.
Hypertrophic cardiomyopathy 12. Identifiers: MedGen C2677491, MONDO:0012804, OMIM 612124.
Dilated cardiomyopathy 1M (CMD1M). Identifiers: Orphanet 154, MedGen C1843808, MONDO:0011840, OMIM 607482.

Allele frequency attached by ClinVar (database versions not stated): ExAC 0.00001; gnomAD 0.00001; 1000 Genomes Project 0.00020; 1000 Genomes Project 30x 0.00031.
gnomAD v4.1: 3 of 1,614,102 alleles (0.00019%); highest among the groups gnomAD compares: African/African-American, 0.0027%; no homozygotes.

Submissions (3):

GeneDx
Classification: Uncertain significance. Last evaluated: 2026-02-27. Review status: criteria provided, single submitter. Criteria: GeneDx Variant Classification Process June 2021. Collection method: clinical testing. Allele origin: germline.
Comment: Not observed at significant frequency in large population cohorts (gnomAD); In silico analysis suggests that this missense variant does not alter protein structure/function; Has not been previously published as pathogenic or benign to our knowledge; This variant is associated with the following publications: (PMID: 37714153)

Labcorp Genetics (formerly Invitae), Labcorp
Classification: Uncertain significance for Hypertrophic cardiomyopathy 12; Dilated cardiomyopathy 1M. Last evaluated: 2025-06-18. Review status: criteria provided, single submitter. Criteria: Invitae Variant Classification Sherloc (09022015). Collection method: clinical testing. Allele origin: germline.
Comment: This sequence change replaces cysteine, which is neutral and slightly polar, with serine, which is neutral and polar, at codon 79 of the CSRP3 protein (p.Cys79Ser). This variant is present in population databases (rs199793773, gnomAD 0.007%). This variant has not been reported in the literature in individuals affected with CSRP3-related conditions. ClinVar contains an entry for this variant (Variation ID: 1790275). An algorithm developed to predict the effect of missense changes on protein structure and function (PolyPhen-2) suggests that this variant is likely to be tolerated. In summary, the available evidence is currently insufficient to determine the role of this variant in disease. Therefore, it has been classified as a Variant of Uncertain Significance.

Ambry Genetics
Classification: Uncertain significance for Cardiovascular phenotype. Last evaluated: 2024-12-05. Review status: criteria provided, single submitter. Criteria: Ambry Variant Classification Scheme 2023. Collection method: clinical testing. Allele origin: germline.
Comment: The p.C79S variant (also known as c.236G>C), located in coding exon 2 of the CSRP3 gene, results from a G to C substitution at nucleotide position 236. The cysteine at codon 79 is replaced by serine, an amino acid with dissimilar properties. This amino acid position is not well conserved in available vertebrate species. In addition, the in silico prediction for this alteration is inconclusive. Since supporting evidence is limited at this time, the clinical significance of this alteration remains unclear.